The following is an entry in ClinVar:

NM_004998.4(MYO1E):c.3035C>T (p.Pro1012Leu)

Gene: MYO1E (myosin IE; minus strand). Cytogenetic location: 15q22.2.
Variant type: single nucleotide variant.
Coding change: c.3035C>T on transcript NM_004998.4 (MANE Select); coding-DNA position 3035, C replaced by T.
Protein change: p.Pro1012Leu; replaces proline 1012 with leucine.
Molecular consequence: missense variant.
Genome position (GRCh38, 1-based): chr15:59,153,635, G>A on the plus strand (C>T on the coding strand, the complement: MYO1E is on the minus strand). VCF-style: chr15-59153635-G-A. GRCh37 (hg19) VCF-style: chr15-59445834-G-A.
Other names: c.3035C>T (NM_004998.2); short protein forms P1012L.
Identifiers: ClinVar variation 1912733 (VCV001912733.7), dbSNP rs775183403, ClinGen allele CA7589048.
Genomic context (GRCh38, chr15:59,153,635, plus strand): 5'-ATGTGAGAATCTTACCCTGCAGCTCCCTGGTCCGGGACCTTGAGGAAATCCAGGCTCTCT[G>A]GCGTCTGTGACACTCGGTCTGAACTGGTAGACTGCTGCCGAGGCAAGGGCGGGCGGGCCA-3'
Protein context (NP_004989.2, residues 1002-1022): STSSDRVSQT[Pro1012Leu]ESLDFLKVPD

ClinVar aggregate classification (germline): Uncertain significance. Review status: criteria provided, multiple submitters, no conflicts (2 of 4 stars). 4 submissions from 4 submitters: Uncertain significance (4). Last evaluated 2024-08-12.

Conditions:
Inborn genetic diseases. Identifiers: MedGen C0950123, MeSH D030342.
Focal segmental glomerulosclerosis 6 (FSGS6). Identifiers: Orphanet 656, MedGen C3279905, MONDO:0013589, OMIM 614131.

Allele frequency attached by ClinVar (database versions not stated): ExAC 0.00001; TOPMed 0.00002.
gnomAD v4.1: 6 of 1,614,158 alleles (0.00037%); no homozygotes.

Submissions (4):

GeneDx
Classification: Uncertain significance. Last evaluated: 2024-08-12. Review status: criteria provided, single submitter. Criteria: GeneDx Variant Classification Process June 2021. Collection method: clinical testing. Allele origin: germline. Affected: yes.
Comment: In silico analysis supports that this missense variant has a deleterious effect on protein structure/function; Has not been previously published as pathogenic or benign to our knowledge

Fulgent Genetics
Classification: Uncertain significance for Focal segmental glomerulosclerosis 6. Last evaluated: 2024-05-24. Review status: criteria provided, single submitter. Criteria: ACMG Guidelines, 2015. Collection method: clinical testing. Allele origin: germline.

Ambry Genetics
Classification: Uncertain significance for Inborn genetic diseases. Last evaluated: 2023-07-30. Review status: criteria provided, single submitter. Criteria: Ambry Variant Classification Scheme 2023. Collection method: clinical testing. Allele origin: germline.

Labcorp Genetics (formerly Invitae), Labcorp
Classification: Uncertain significance. Last evaluated: 2022-03-18. Review status: criteria provided, single submitter. Criteria: Invitae Variant Classification Sherloc (09022015). Collection method: clinical testing. Allele origin: germline.
Comment: In summary, the available evidence is currently insufficient to determine the role of this variant in disease. Therefore, it has been classified as a Variant of Uncertain Significance. Algorithms developed to predict the effect of missense changes on protein structure and function output the following: SIFT: "Tolerated"; PolyPhen-2: "Benign"; Align-GVGD: "Class C0". The leucine amino acid residue is found in multiple mammalian species, which suggests that this missense change does not adversely affect protein function. This variant has not been reported in the literature in individuals affected with MYO1E-related conditions. This variant is present in population databases (rs775183403, gnomAD 0.006%). This sequence change replaces proline, which is neutral and non-polar, with leucine, which is neutral and non-polar, at codon 1012 of the MYO1E protein (p.Pro1012Leu).